The following is an entry in ClinVar:

ClinVar aggregate classification (germline): Benign. Review status: criteria provided, multiple submitters, no conflicts (2 of 4 stars). 8 submissions from 7 submitters: Benign (8). Last evaluated 2026-02-01.

Conditions:
Renal tubular dysgenesis. Also called: Renotubular dysgenesis. Identifiers: Orphanet 3033, MedGen C0266313, MONDO:0017609, HP:0008660.
Familial juvenile hyperuricemic nephropathy type 2 (ADTKD4). Also called: Autosomal Dominant Tubulointerstitial Kidney Disease – REN; EARLY-ONSET HYPERURICEMIA, ANEMIA, AND PROGRESSIVE KIDNEY FAILURE. Identifiers: Orphanet 217330, MedGen C2751310, MONDO:0013128, OMIM 613092.

Allele frequency attached by ClinVar (database versions not stated): gnomAD exomes 0.12745 and 0.14097; ExAC 0.14108; 1000 Genomes Project 0.17013; 1000 Genomes Project 30x 0.17520; ESP Exome Variant Server 0.17953; gnomAD 0.18006 and 0.18456; TOPMed 0.19237.
gnomAD v4.1: 214,373 of 1,613,772 alleles (13%); highest among the groups gnomAD compares: African/African-American, 32%; 16,050 homozygotes.

Submissions (8):

Labcorp Genetics (formerly Invitae), Labcorp
Classification: Benign. Last evaluated: 2026-02-01. Review status: criteria provided, single submitter. Criteria: Invitae Variant Classification Sherloc (09022015). Collection method: clinical testing. Allele origin: germline.

Blueprint Genetics
Classification: Benign. Last evaluated: 2024-11-26. Review status: criteria provided, single submitter. Criteria: ACMG Guidelines, 2015. Collection method: clinical testing. Allele origin: germline.

Mayo Clinic Laboratories, Mayo Clinic
Classification: Benign. Last evaluated: 2022-03-09. Review status: criteria provided, single submitter. Criteria: ACMG Guidelines, 2015. Collection method: clinical testing. Allele origin: germline. Observed: 26 variant alleles.

GeneDx
Classification: Benign. Last evaluated: 2021-05-05. Review status: criteria provided, single submitter. Criteria: GeneDx Variant Classification Process June 2021. Collection method: clinical testing. Allele origin: germline. Affected: yes.

Illumina Laboratory Services, Illumina
Classification: Benign for Familial juvenile hyperuricemic nephropathy type 2. Last evaluated: 2018-01-12. Review status: criteria provided, single submitter. Criteria: ICSL Variant Classification Criteria 13 December 2019. Collection method: clinical testing. Allele origin: germline.
Comment: This variant was observed in the ICSL laboratory as part of a predisposition screen in an ostensibly healthy population. It had not been previously curated by ICSL or reported in the Human Gene Mutation Database (HGMD: prior to June 1st, 2018), and was therefore a candidate for classification through an automated scoring system. Utilizing variant allele frequency, disease prevalence and penetrance estimates, and inheritance mode, an automated score was calculated to assess if this variant is too frequent to cause the disease. Based on the score and internal cut-off values, a variant classified as benign is not then subjected to further curation. The score for this variant resulted in a classification of benign for this disease.

Illumina Laboratory Services, Illumina
Classification: Benign for Renal tubular dysgenesis of genetic origin. Last evaluated: 2018-01-12. Review status: criteria provided, single submitter. Criteria: ICSL Variant Classification Criteria 13 December 2019. Collection method: clinical testing. Allele origin: germline.
Comment: the same text as in the submission from Illumina Laboratory Services, Illumina above.

Breakthrough Genomics
Classification: Benign. Review status: criteria provided, single submitter. Criteria: ACMG Guidelines, 2015. Collection method: not provided. Allele origin: germline. Inheritance: Autosomal recessive inheritance. Affected: yes.

PreventionGenetics, part of Exact Sciences
Classification: Benign. Review status: criteria provided, single submitter. Criteria: ACMG Guidelines, 2015. Collection method: clinical testing. Allele origin: germline.

NM_000537.4(REN):c.204A>C (p.Thr68=)

Gene: REN (renin; minus strand). Cytogenetic location: 1q32.1.
Variant type: single nucleotide variant.
Coding change: c.204A>C on transcript NM_000537.4 (MANE Select); coding-DNA position 204, A replaced by C.
Protein change: p.Thr68=; no amino-acid change (threonine 68 retained).
Molecular consequence: synonymous variant.
Genome position (GRCh38, 1-based): chr1:204,162,058, T>G on the plus strand (A>C on the coding strand, the complement: REN is on the minus strand). VCF-style: chr1-204162058-T-G. GRCh37 (hg19) VCF-style: chr1-204131186-T-G.
Other names: p.Thr68=.
Identifiers: ClinVar variation 256379 (VCV000256379.18), dbSNP rs5705, ClinGen allele CA1345037.